The following is an entry in ClinVar:

ClinVar aggregate classification (germline): Uncertain significance. Review status: criteria provided, multiple submitters, no conflicts (2 of 4 stars). 4 submissions from 4 submitters: Uncertain significance (4). Last evaluated 2024-08-06.

Conditions:
Hereditary cancer-predisposing syndrome. Also called: Tumor predisposition; Neoplastic Syndromes, Hereditary; Hereditary Cancer Syndrome; Hereditary neoplastic syndrome. Identifiers: Orphanet 140162, MedGen C0027672, MeSH D009386, MONDO:0015356.
Tuberous sclerosis syndrome (TSC). Also called: Tuberous Sclerosis Complex; Tuberous sclerosis. Identifiers: Orphanet 805, MedGen C0041341, MONDO:0001734.
Tuberous sclerosis 1 (TSC1). Identifiers: Orphanet 805, MedGen C1854465, MONDO:0008612, OMIM 191100.

Submissions (4):

Labcorp Genetics (formerly Invitae), Labcorp
Classification: Uncertain significance for Tuberous sclerosis 1. Last evaluated: 2024-08-06. Review status: criteria provided, single submitter. Criteria: Invitae Variant Classification Sherloc (09022015). Collection method: clinical testing. Allele origin: germline.
Comment: This sequence change replaces cysteine, which is neutral and slightly polar, with phenylalanine, which is neutral and non-polar, at codon 119 of the TSC1 protein (p.Cys119Phe). This variant is not present in population databases (gnomAD no frequency). This variant has not been reported in the literature in individuals affected with TSC1-related conditions. ClinVar contains an entry for this variant (Variation ID: 486565). Advanced modeling of protein sequence and biophysical properties (such as structural, functional, and spatial information, amino acid conservation, physicochemical variation, residue mobility, and thermodynamic stability) performed at Invitae indicates that this missense variant is not expected to disrupt TSC1 protein function with a negative predictive value of 95%. In summary, the available evidence is currently insufficient to determine the role of this variant in disease. Therefore, it has been classified as a Variant of Uncertain Significance.

Ambry Genetics
Classification: Uncertain significance for Hereditary cancer-predisposing syndrome. Last evaluated: 2024-07-04. Review status: criteria provided, single submitter. Criteria: Ambry Variant Classification Scheme 2023. Collection method: clinical testing. Allele origin: germline.
Comment: The p.C119F variant (also known as c.356G>T), located in coding exon 3 of the TSC1 gene, results from a G to T substitution at nucleotide position 356. The cysteine at codon 119 is replaced by phenylalanine, an amino acid with highly dissimilar properties. This amino acid position is well conserved in available vertebrate species. In addition, the in silico prediction for this alteration is inconclusive. Based on the available evidence, the clinical significance of this variant remains unclear.

All of Us Research Program, National Institutes of Health
Classification: Uncertain significance for Tuberous sclerosis syndrome. Last evaluated: 2023-10-06. Review status: criteria provided, single submitter. Criteria: ACMG Guidelines, 2015. Collection method: clinical testing. Allele origin: germline. Inheritance: Autosomal dominant inheritance. Observed: 1 variant allele, 1 heterozygote.
Comment: This missense variant replaces cysteine with phenylalanine at codon 119 of the TSC1 protein. Computational prediction is inconclusive regarding the impact of this variant on protein structure and function (internally defined REVEL score threshold 0.5 < inconclusive < 0.7, PMID: 27666373). To our knowledge, functional studies have not been reported for this variant. This variant has not been reported in individuals affected with TSC1-related disorders in the literature. This variant has not been identified in the general population by the Genome Aggregation Database (gnomAD). The available evidence is insufficient to determine the role of this variant in disease conclusively. Therefore, this variant is classified as a Variant of Uncertain Significance.

This study involves interpretation of variants in research participants for the purpose of population health screening. Participant phenotype was not available at the time of variant classification. Additional details can be found in publication PMID: 35346344, PMCID: PMC8962531

Genome-Nilou Lab
Classification: Uncertain significance for Tuberous sclerosis 1. Last evaluated: 2021-11-07. Review status: criteria provided, single submitter. Criteria: ACMG Guidelines, 2015. Collection method: clinical testing. Allele origin: germline. Affected: no.

NM_000368.5(TSC1):c.356G>T (p.Cys119Phe)

Gene: TSC1 (TSC complex subunit 1; minus strand). Cytogenetic location: 9q34.13.
Variant type: single nucleotide variant.
Coding change: c.356G>T on transcript NM_000368.5 (MANE Select); coding-DNA position 356, G replaced by T.
Protein change: p.Cys119Phe; replaces cysteine 119 with phenylalanine.
Molecular consequence: missense variant. On other transcripts: 5 prime UTR variant (1), intron variant (1).
Genome position (GRCh38, 1-based): chr9:132,925,594, C>A on the plus strand (G>T on the coding strand, the complement: TSC1 is on the minus strand). VCF-style: chr9-132925594-C-A. GRCh37 (hg19) VCF-style: chr9-135800981-C-A.
Other names: c.356G>T, p.Cys119Phe (NM_001162426.2); c.-8G>T (NM_001362177.2); c.210+1607G>T (NM_001162427.2); short protein forms C119F.
Identifiers: ClinVar variation 486565 (VCV000486565.16), dbSNP rs1554820265, ClinGen allele CA375374311.
Genomic context (GRCh38, chr9:132,925,594, plus strand): 5'-TCAGAAACTATACTCATAAAACCATTTCATTCAAATCCTTACAAACATCCTACCTTGAGA[C>A]ATTTTAGTAAAGAAGGCAAAAGAGGTGCTTGAGAGAGCTTATGCTTCCAAGATGGCTGCA-3'
Protein context (NP_000359.1, residues 109-129): QAPLLPSLLK[Cys119Phe]LKMDTDVVVL